The following is an entry in ClinVar:

NM_001329943.3(KIAA0586):c.2650G>A (p.Asp884Asn)

Gene: KIAA0586 (KIAA0586; plus strand). Cytogenetic location: 14q23.1.
Variant type: single nucleotide variant.
Coding change: c.2650G>A on transcript NM_001329943.3 (MANE Select); coding-DNA position 2650, G replaced by A.
Protein change: p.Asp884Asn; replaces aspartic acid 884 with asparagine.
Molecular consequence: missense variant.
Genome position (GRCh38, 1-based): chr14:58,474,622, G>A. VCF-style: chr14-58474622-G-A. GRCh37 (hg19) VCF-style: chr14-58941340-G-A.
Other names: c.2650G>A, p.Asp884Asn (NM_001329946.2, NM_001329947.2, NM_001329944.2); c.2395G>A, p.Asp799Asn (NM_001364700.1, NM_001364701.2, NM_001244191.2 and 1 more transcripts); c.2422G>A, p.Asp808Asn (NM_014749.5); c.2422G>A (NM_014749.3); c.2809G>A, p.Asp937Asn (NM_001244189.2); c.2605G>A, p.Asp869Asn (NM_001244190.2); c.2518G>A, p.Asp840Asn (NM_001244192.2); c.2230G>A, p.Asp744Asn (NM_001244193.2); short protein forms D799N, D808N, D840N, D937N, D744N, D869N, D884N.
Identifiers: ClinVar variation 1949801 (VCV001949801.6), dbSNP rs965903536, ClinGen allele CA261641025.

ClinVar aggregate classification (germline): Uncertain significance. Review status: criteria provided, multiple submitters, no conflicts (2 of 4 stars). 2 submissions from 2 submitters: Uncertain significance (2). Last evaluated 2025-01-19.

Conditions:
Joubert syndrome 23 (JBTS23). Identifiers: Orphanet 475, MedGen C4084822, MONDO:0014664, OMIM 616490.
Short-rib thoracic dysplasia 14 with polydactyly (SRTD14). Identifiers: Orphanet 397715, MedGen C4225286, MONDO:0014688, OMIM 616546.
Inborn genetic diseases. Identifiers: MedGen C0950123, MeSH D030342.

Allele frequency attached by ClinVar (database versions not stated): TOPMed 0.00001.

Submissions (2):

Ambry Genetics
Classification: Uncertain significance for Inborn genetic diseases. Last evaluated: 2025-01-19. Review status: criteria provided, single submitter. Criteria: Ambry Variant Classification Scheme 2023. Collection method: clinical testing. Allele origin: germline.

Labcorp Genetics (formerly Invitae), Labcorp
Classification: Uncertain significance for Joubert syndrome 23; Short-rib thoracic dysplasia 14 with polydactyly. Last evaluated: 2022-08-07. Review status: criteria provided, single submitter. Criteria: Invitae Variant Classification Sherloc (09022015). Collection method: clinical testing. Allele origin: germline.
Comment: In summary, the available evidence is currently insufficient to determine the role of this variant in disease. Therefore, it has been classified as a Variant of Uncertain Significance. Algorithms developed to predict the effect of missense changes on protein structure and function are either unavailable or do not agree on the potential impact of this missense change (SIFT: "Deleterious"; PolyPhen-2: "Probably Damaging"; Align-GVGD: "Class C0"). This variant has not been reported in the literature in individuals affected with KIAA0586-related conditions. This variant is not present in population databases (gnomAD no frequency). This sequence change replaces aspartic acid, which is acidic and polar, with asparagine, which is neutral and polar, at codon 937 of the KIAA0586 protein (p.Asp937Asn).